The following is an entry in ClinVar:

NM_014806.5(RUSC2):c.4292A>G (p.Glu1431Gly)

Gene: RUSC2 (RUN and SH3 domain containing 2; plus strand). Cytogenetic location: 9p13.3.
Variant type: single nucleotide variant.
Coding change: c.4292A>G on transcript NM_014806.5 (MANE Select); coding-DNA position 4292, A replaced by G.
Protein change: p.Glu1431Gly; replaces glutamic acid 1431 with glycine.
Molecular consequence: missense variant. On other transcripts: non-coding transcript variant (1).
Genome position (GRCh38, 1-based): chr9:35,561,040, A>G. VCF-style: chr9-35561040-A-G. GRCh37 (hg19) VCF-style: chr9-35561037-A-G.
Other names: c.4292A>G, p.Glu1431Gly (NM_001135999.2); c.1658A>G, p.Glu553Gly (NM_001330740.2); c.4292A>G (NM_001135999.1); short protein forms E1431G, E553G.
Identifiers: ClinVar variation 1405496 (VCV001405496.7), dbSNP rs1047298818, ClinGen allele CA192760799.
Genomic context (GRCh38, chr9:35,561,040, plus strand): 5'-GCCTGGACAAGTCCATGTTCCAACTAGTGGCGCAGACAGTGGGTTCCCGCCGGGAGCCAG[A>G]GCCCAAGGAGAGCCTGCAGGAGCCACACTCCCCAGCCCTGCCCTCCAGTCCTCCGTGGTA-3'
Protein context (NP_055621.2, residues 1421-1441): AQTVGSRREP[Glu1431Gly]PKESLQEPHS

ClinVar aggregate classification (germline): Uncertain significance. Review status: criteria provided, multiple submitters, no conflicts (2 of 4 stars). 2 submissions from 2 submitters: Uncertain significance (2). Last evaluated 2025-09-11.

Allele frequency attached by ClinVar (database versions not stated): gnomAD 0.00001; TOPMed 0.00002.
gnomAD v4.1: 2 of 1,614,058 alleles (0.00012%); highest among the groups gnomAD compares: African/African-American, 0.0027%; no homozygotes.

Submissions (2):

Ambry Genetics
Classification: Uncertain significance. Last evaluated: 2025-09-11. Review status: criteria provided, single submitter. Criteria: Ambry Variant Classification Scheme 2023. Collection method: clinical testing. Allele origin: germline.

Labcorp Genetics (formerly Invitae), Labcorp
Classification: Uncertain significance. Last evaluated: 2022-02-08. Review status: criteria provided, single submitter. Criteria: Invitae Variant Classification Sherloc (09022015). Collection method: clinical testing. Allele origin: germline.
Comment: In summary, the available evidence is currently insufficient to determine the role of this variant in disease. Therefore, it has been classified as a Variant of Uncertain Significance. Algorithms developed to predict the effect of missense changes on protein structure and function (SIFT, PolyPhen-2, Align-GVGD) all suggest that this variant is likely to be tolerated. This variant has not been reported in the literature in individuals affected with RUSC2-related conditions. This variant is not present in population databases (gnomAD no frequency). This sequence change replaces glutamic acid, which is acidic and polar, with glycine, which is neutral and non-polar, at codon 1431 of the RUSC2 protein (p.Glu1431Gly).